The following is an entry in ClinVar:

ClinVar aggregate classification (germline): Uncertain significance (1 of 4 stars; one submission).

Conditions:
Pallister-Hall syndrome (PHS). Also called: GLI3-Related Pallister-Hall Syndrome; HYPOTHALAMIC HAMARTOBLASTOMA, HYPOPITUITARISM, IMPERFORATE ANUS, AND POSTAXIAL POLYDACTYLY. Identifiers: Orphanet 672, MedGen C0265220, MONDO:0007804, OMIM 146510.
Greig cephalopolysyndactyly syndrome (GCPS). Also called: POLYSYNDACTYLY WITH PECULIAR SKULL SHAPE; GLI3-Related Greig Cephalopolysyndactyly Syndrome; Greig syndrome. Identifiers: Orphanet 380, MedGen C0265306, MONDO:0008287, OMIM 175700.

Allele frequency attached by ClinVar (database versions not stated): gnomAD 0.00001; TOPMed 0.00001; gnomAD exomes below 0.00001.

Submission:

Labcorp Genetics (formerly Invitae), Labcorp
Classification: Uncertain significance for Pallister-Hall syndrome; Greig cephalopolysyndactyly syndrome. Last evaluated: 2019-04-10. Review status: criteria provided, single submitter. Criteria: Invitae Variant Classification Sherloc (09022015). Collection method: clinical testing. Allele origin: germline.
Comment: This sequence change replaces methionine with arginine at codon 1286 of the GLI3 protein (p.Met1286Arg). The methionine residue is weakly conserved and there is a moderate physicochemical difference between methionine and arginine. This variant is not present in population databases (ExAC no frequency). This variant has not been reported in the literature in individuals with GLI3-related conditions. Algorithms developed to predict the effect of missense changes on protein structure and function are either unavailable or do not agree on the potential impact of this missense change (SIFT: "Deleterious"; PolyPhen-2: "Benign"; Align-GVGD: "Class C0"). In summary, the available evidence is currently insufficient to determine the role of this variant in disease. Therefore, it has been classified as a Variant of Uncertain Significance.

NM_000168.6(GLI3):c.3857T>G (p.Met1286Arg)

Gene: GLI3 (GLI family zinc finger 3; minus strand). Cytogenetic location: 7p14.1.
Variant type: single nucleotide variant.
Coding change: c.3857T>G on transcript NM_000168.6 (MANE Select); coding-DNA position 3857, T replaced by G.
Protein change: p.Met1286Arg; replaces methionine 1286 with arginine.
Molecular consequence: missense variant.
Genome position (GRCh38, 1-based): chr7:41,965,216, A>C on the plus strand (T>G on the coding strand, the complement: GLI3 is on the minus strand). VCF-style: chr7-41965216-A-C. GRCh37 (hg19) VCF-style: chr7-42004814-A-C.
Other names: short protein forms M1286R.
Identifiers: ClinVar variation 835486 (VCV000835486.1), dbSNP rs1787128835, ClinGen allele CA367316285.